The following is an entry in ClinVar:

NM_033100.4(CDHR1):c.*3768G>C

Gene: CDHR1 (cadherin related family member 1; plus strand). Cytogenetic location: 10q23.1.
Variant type: single nucleotide variant.
Coding change: c.*3768G>C on transcript NM_033100.4 (MANE Select); 3768 bases downstream of the stop codon, G replaced by C.
Molecular consequence: 3 prime UTR variant. On other transcripts: intron variant (1).
Genome position (GRCh38, 1-based): chr10:84,218,389, G>C. VCF-style: chr10-84218389-G-C. GRCh37 (hg19) VCF-style: chr10-85978145-G-C.
Other names: c.2041-690G>C (NM_001171971.3).
Identifiers: ClinVar variation 878202 (VCV000878202.4), dbSNP rs2279229, ClinGen allele CA13162981.

ClinVar aggregate classification (germline): Benign (1 of 4 stars; one submission).

Conditions:
Cone-rod dystrophy 15 (CORD15). Identifiers: MedGen C3150912, MONDO:0013348, OMIM 613660.

Allele frequency attached by ClinVar (database versions not stated): 1000 Genomes Project 0.33127; 1000 Genomes Project 30x 0.33791; gnomAD 0.35886 and 0.36843; TOPMed 0.36532.
gnomAD v4.1: 258,841 of 985,166 alleles (26%); highest among the groups gnomAD compares: African/African-American, 65%; 39,147 homozygotes.

Submission:

Illumina Laboratory Services, Illumina
Classification: Benign for Cone-rod dystrophy 15. Last evaluated: 2018-01-13. Review status: criteria provided, single submitter. Criteria: ICSL Variant Classification Criteria 13 December 2019. Collection method: clinical testing. Allele origin: germline.
Comment: This variant was observed in the ICSL laboratory as part of a predisposition screen in an ostensibly healthy population. It had not been previously curated by ICSL or reported in the Human Gene Mutation Database (HGMD: prior to June 1st, 2018), and was therefore a candidate for classification through an automated scoring system. Utilizing variant allele frequency, disease prevalence and penetrance estimates, and inheritance mode, an automated score was calculated to assess if this variant is too frequent to cause the disease. Based on the score and internal cut-off values, a variant classified as benign is not then subjected to further curation. The score for this variant resulted in a classification of benign for this disease.